The following is an entry in ClinVar:

NM_005445.4(SMC3):c.2558C>G (p.Thr853Arg)

Gene: SMC3 (structural maintenance of chromosomes 3; plus strand). Cytogenetic location: 10q25.2.
Variant type: single nucleotide variant.
Coding change: c.2558C>G on transcript NM_005445.4 (MANE Select); coding-DNA position 2558, C replaced by G.
Protein change: p.Thr853Arg; replaces threonine 853 with arginine.
Molecular consequence: missense variant.
Genome position (GRCh38, 1-based): chr10:110,601,044, C>G. VCF-style: chr10-110601044-C-G. GRCh37 (hg19) VCF-style: chr10-112360802-C-G.
Other names: short protein forms T853R.
Identifiers: ClinVar variation 2117353 (VCV002117353.4), dbSNP rs2493146432, ClinGen allele CA378393158.

ClinVar aggregate classification (germline): Uncertain significance (1 of 4 stars; one submission).

Conditions:
Cornelia de Lange syndrome 3 (CDLS3). Also called: SMC3-Related Cornelia de Lange Syndrome; CORNELIA DE LANGE SYNDROME 3 WITH OR WITHOUT MIDLINE BRAIN DEFECTS. Identifiers: Orphanet 199, MedGen C1853099, MONDO:0012555, OMIM 610759.

Allele frequency attached by ClinVar (database versions not stated): gnomAD exomes below 0.00001.
gnomAD v4.1: 1 of 1,613,148 alleles (0.000062%); highest among the groups gnomAD compares: Non-Finnish European, 0.000085%; no homozygotes.

Submission:

Labcorp Genetics (formerly Invitae), Labcorp
Classification: Uncertain significance for Cornelia de Lange syndrome 3. Last evaluated: 2022-03-26. Review status: criteria provided, single submitter. Criteria: Invitae Variant Classification Sherloc (09022015). Collection method: clinical testing. Allele origin: germline.
Comment: In summary, the available evidence is currently insufficient to determine the role of this variant in disease. Therefore, it has been classified as a Variant of Uncertain Significance. Algorithms developed to predict the effect of missense changes on protein structure and function (SIFT, PolyPhen-2, Align-GVGD) all suggest that this variant is likely to be tolerated. This variant has not been reported in the literature in individuals affected with SMC3-related conditions. This variant is not present in population databases (gnomAD no frequency). This sequence change replaces threonine, which is neutral and polar, with arginine, which is basic and polar, at codon 853 of the SMC3 protein (p.Thr853Arg).